The following is an entry in ClinVar:

NM_014915.3(ANKRD26):c.2700T>A (p.Asn900Lys)

Gene: ANKRD26 (ankyrin repeat domain containing 26; minus strand). Cytogenetic location: 10p12.1.
Variant type: single nucleotide variant.
Coding change: c.2700T>A on transcript NM_014915.3 (MANE Select); coding-DNA position 2700, T replaced by A.
Protein change: p.Asn900Lys; replaces asparagine 900 with lysine.
Molecular consequence: missense variant.
Genome position (GRCh38, 1-based): chr10:27,035,750, A>T on the plus strand (T>A on the coding strand, the complement: ANKRD26 is on the minus strand). VCF-style: chr10-27035750-A-T. GRCh37 (hg19) VCF-style: chr10-27324679-A-T.
Other names: c.2697T>A, p.Asn899Lys (NM_001256053.2); short protein forms N900K, N899K.
Identifiers: ClinVar variation 3913763 (VCV003913763.1).

ClinVar aggregate classification (germline): Uncertain significance (1 of 4 stars; one submission).

Conditions:
Inborn genetic diseases. Identifiers: MedGen C0950123, MeSH D030342.

Submission:

Ambry Genetics
Classification: Uncertain significance for Inborn genetic diseases. Last evaluated: 2025-04-17. Review status: criteria provided, single submitter. Criteria: Ambry Variant Classification Scheme 2023. Collection method: clinical testing. Allele origin: germline.
Comment: The p.N900K variant (also known as c.2700T>A), located in coding exon 24 of the ANKRD26 gene, results from a T to A substitution at nucleotide position 2700. The asparagine at codon 900 is replaced by lysine, an amino acid with similar properties. This amino acid position is conserved. In addition, this alteration is predicted to be tolerated by in silico analysis. Based on the available evidence, the clinical significance of this variant remains unclear.